The following is an entry in ClinVar:

ClinVar aggregate classification (germline): Likely benign (1 of 4 stars; one submission).

gnomAD v4.1: 20 of 1,611,346 alleles (0.0012%); highest among the groups gnomAD compares: Admixed American, 0.0017%; no homozygotes.

Submission:

CeGaT Center for Human Genetics Tuebingen
Classification: Likely benign. Last evaluated: 2026-07-01. Review status: criteria provided, single submitter. Criteria: CeGaT Center For Human Genetics Tuebingen Variant Classification Criteria Version 2. Collection method: clinical testing. Allele origin: germline. Affected: yes. Observed: 1 variant allele.
Comment: HNRNPC: BP4

NM_004500.4(HNRNPC):c.684C>T (p.Ser228=)

Gene: HNRNPC (heterogeneous nuclear ribonucleoprotein C; minus strand). Cytogenetic location: 14q11.2.
Variant type: single nucleotide variant.
Coding change: c.684C>T on transcript NM_004500.4 (MANE Select); coding-DNA position 684, C replaced by T.
Protein change: p.Ser228=; no amino-acid change (serine 228 retained).
Molecular consequence: synonymous variant.
Genome position (GRCh38, 1-based): chr14:21,211,520, G>A on the plus strand (C>T on the coding strand, the complement: HNRNPC is on the minus strand). VCF-style: chr14-21211520-G-A. GRCh37 (hg19) VCF-style: chr14-21679679-G-A.
Other names: c.723C>T, p.Ser241= (NM_001077442.2, NM_031314.3); c.684C>T, p.Ser228= (NM_001077443.2).
Identifiers: ClinVar variation 5039267 (VCV005039267.1).